The following is an entry in ClinVar:

NM_001395002.1(MAP4K4):c.2225T>C (p.Leu742Pro)

Gene: MAP4K4 (mitogen-activated protein kinase kinase kinase kinase 4; plus strand). Cytogenetic location: 2q11.2.
Variant type: single nucleotide variant.
Coding change: c.2225T>C on transcript NM_001395002.1 (MANE Select); coding-DNA position 2225, T replaced by C.
Protein change: p.Leu742Pro; replaces leucine 742 with proline.
Molecular consequence: missense variant. On other transcripts: non-coding transcript variant (4).
Genome position (GRCh38, 1-based): chr2:101,866,448, T>C. VCF-style: chr2-101866448-T-C. GRCh37 (hg19) VCF-style: chr2-102482910-T-C.
Other names: c.1991T>C, p.Leu664Pro (NM_001242559.2, NM_001384488.1); c.1970T>C, p.Leu657Pro (NM_001242560.2, NM_001384487.1); c.2060T>C, p.Leu687Pro (NM_001384476.1); c.2057T>C, p.Leu686Pro (NM_001384477.1, NM_001384508.1); c.1739T>C, p.Leu580Pro (NM_001384478.1, NM_001384482.1, NM_001384495.1); c.1994T>C, p.Leu665Pro (NM_001384481.1, NM_001384486.1, NM_001384507.1); c.1829T>C, p.Leu610Pro (NM_001384483.1, NM_001384494.1); c.2063T>C, p.Leu688Pro (NM_001384484.1, NM_001384485.1, NM_001384493.1); and 19 more; short protein forms L676P, L678P, L710P, L711P, L602P, L648P, L650P, L570P.
Identifiers: ClinVar variation 4051465 (VCV004051465.3).

ClinVar aggregate classification (germline): Uncertain significance. Review status: criteria provided, multiple submitters, no conflicts (2 of 4 stars). 2 submissions from 2 submitters: Uncertain significance (2). Last evaluated 2026-02-27.

Conditions:
Inborn genetic diseases. Identifiers: MedGen C0950123, MeSH D030342.

gnomAD v4.1: 4 of 1,613,348 alleles (0.00025%); highest among the groups gnomAD compares: Non-Finnish European, 0.00034%; no homozygotes.

Submissions (2):

Dasa
Classification: Uncertain significance. Last evaluated: 2026-02-27. Review status: criteria provided, single submitter. Criteria: DASA Assertion Criteria. Collection method: clinical testing. Allele origin: germline.
Comment: NM_001395002.1(MAP4K4):c.2225T>C (p.Leu742Pro) is a missense variant that results in the substitution of leucine with proline. This variant is rare in population databases. The currently available literature and clinical evidence are not sufficient to establish a definitive association between this variant and the reported condition. Therefore, this variant is classified as a variant of uncertain significance.

Ambry Genetics
Classification: Uncertain significance for Inborn genetic diseases. Last evaluated: 2025-05-25. Review status: criteria provided, single submitter. Criteria: Ambry Variant Classification Scheme 2023. Collection method: clinical testing. Allele origin: germline.